The following is an entry in ClinVar:

NM_015294.6(TRIM37):c.2367C>G (p.Asp789Glu)

Gene: TRIM37 (tripartite motif containing 37; minus strand). Cytogenetic location: 17q22.
Variant type: single nucleotide variant.
Coding change: c.2367C>G on transcript NM_015294.6 (MANE Select); coding-DNA position 2367, C replaced by G.
Protein change: p.Asp789Glu; replaces aspartic acid 789 with glutamic acid.
Molecular consequence: missense variant. On other transcripts: non-coding transcript variant (2).
Genome position (GRCh38, 1-based): chr17:59,017,315, G>C on the plus strand (C>G on the coding strand, the complement: TRIM37 is on the minus strand). VCF-style: chr17-59017315-G-C. GRCh37 (hg19) VCF-style: chr17-57094676-G-C.
Other names: c.2367C>G (NM_015294.4); c.2367C>G, p.Asp789Glu (NM_001005207.5, NM_001320988.3, NM_001320989.3 and 1 more transcripts); c.2265C>G, p.Asp755Glu (NM_001320987.3, NM_001353082.2); c.2001C>G, p.Asp667Glu (NM_001320990.3); c.1632C>G, p.Asp544Glu (NM_001353083.2); c.1905C>G, p.Asp635Glu (NM_001353085.2); c.2316C>G, p.Asp772Glu (NM_001353086.2); short protein forms D544E, D755E, D772E, D667E, D635E, D789E.
Identifiers: ClinVar variation 891702 (VCV000891702.8), dbSNP rs143642427, ClinGen allele CA8678076.

ClinVar aggregate classification (germline): Uncertain significance. Review status: criteria provided, multiple submitters, no conflicts (2 of 4 stars). 4 submissions from 4 submitters: Uncertain significance (4). Last evaluated 2026-03-31.

Conditions:
TRIM37-related disorder. Also called: TRIM37-related condition.
Mulibrey nanism syndrome. Also called: MUSCLE-LIVER-BRAIN-EYE NANISM; PERHEENTUPA SYNDROME; PERICARDIAL CONSTRICTION AND GROWTH FAILURE. Identifiers: Orphanet 2576, MedGen C0524582, MONDO:0009664, OMIM 253250.

Allele frequency attached by ClinVar (database versions not stated): 1000 Genomes Project 30x 0.00016; 1000 Genomes Project 0.00020; ExAC 0.00020; gnomAD exomes 0.00026 and 0.00041; ESP Exome Variant Server 0.00031; gnomAD 0.00032 and 0.00033; TOPMed 0.00040.
gnomAD v4.1: 649 of 1,614,112 alleles (0.04%); highest among the groups gnomAD compares: Admixed American, 0.077%; no homozygotes.

Submissions (4):

PreventionGenetics, part of Exact Sciences
Classification: Uncertain significance for TRIM37-related condition. Last evaluated: 2026-03-31. Review status: criteria provided, single submitter. Criteria: ACMG Guidelines, 2015. Collection method: clinical testing. Allele origin: germline.
Comment: The TRIM37 c.2367C>G variant is predicted to result in the amino acid substitution p.Asp789Glu. To our knowledge, this variant has not been reported in the literature. This variant is reported in 0.068% of alleles in individuals of Latino descent in gnomAD, which may be too frequent to be a primary cause of disease. Although we suspect that this variant may be benign, at this time, the clinical significance of this variant is uncertain due to the absence of conclusive functional and genetic evidence.

St. Jude Molecular Pathology, St. Jude Children's Research Hospital
Classification: Uncertain significance for Mulibrey nanism syndrome. Last evaluated: 2024-12-28. Review status: criteria provided, single submitter. Criteria: St. Jude Assertion Criteria 2020. Collection method: clinical testing. Allele origin: germline.
Comment: The TRIM37 c.2367C>G (p.Asp789Glu) missense change has a maximum subpopulation frequency of 0.07% in gnomAD v2.1.1. The in silico tool REVEL predicts a benign effect on protein function, but to our knowledge this prediction has not been confirmed by functional studies. To our knowledge, this variant has not been reported in individuals with Mulibrey nanism. In summary, the evidence currently available is insufficient to determine the clinical significance of this variant. It has therefore been classified as of uncertain significance.

Labcorp Genetics (formerly Invitae), Labcorp
Classification: Uncertain significance. Last evaluated: 2022-10-25. Review status: criteria provided, single submitter. Criteria: Invitae Variant Classification Sherloc (09022015). Collection method: clinical testing. Allele origin: germline.
Comment: This sequence change replaces aspartic acid, which is acidic and polar, with glutamic acid, which is acidic and polar, at codon 789 of the TRIM37 protein (p.Asp789Glu). This variant is present in population databases (rs143642427, gnomAD 0.07%). This variant has not been reported in the literature in individuals affected with TRIM37-related conditions. ClinVar contains an entry for this variant (Variation ID: 891702). Advanced modeling of protein sequence and biophysical properties (such as structural, functional, and spatial information, amino acid conservation, physicochemical variation, residue mobility, and thermodynamic stability) performed at Invitae indicates that this missense variant is not expected to disrupt TRIM37 protein function. In summary, the available evidence is currently insufficient to determine the role of this variant in disease. Therefore, it has been classified as a Variant of Uncertain Significance.

Illumina Laboratory Services, Illumina
Classification: Uncertain significance for Mulibrey nanism syndrome. Last evaluated: 2018-01-13. Review status: criteria provided, single submitter. Criteria: ICSL Variant Classification Criteria 13 December 2019. Collection method: clinical testing. Allele origin: germline.